The following is an entry in ClinVar:

ClinVar aggregate classification (germline): Likely benign. Review status: criteria provided, multiple submitters, no conflicts (2 of 4 stars). 3 submissions from 3 submitters: Likely benign (3). Last evaluated 2025-09-15.

Conditions:
UNC80-related disorder. Also called: UNC80-related condition.

Allele frequency attached by ClinVar (database versions not stated): gnomAD exomes 0.00002 and 0.00003; ExAC 0.00009; gnomAD 0.00012; TOPMed 0.00012; ESP Exome Variant Server 0.00022.
gnomAD v4.1: 42 of 1,551,582 alleles (0.0027%); highest among the groups gnomAD compares: African/African-American, 0.041%; no homozygotes.

Submissions (3):

Labcorp Genetics (formerly Invitae), Labcorp
Classification: Likely benign. Last evaluated: 2025-09-15. Review status: criteria provided, single submitter. Criteria: Invitae Variant Classification Sherloc (09022015). Collection method: clinical testing. Allele origin: germline.

PreventionGenetics, part of Exact Sciences
Classification: Likely benign for UNC80-related condition. Last evaluated: 2025-02-05. Review status: criteria provided, single submitter. Criteria: ACMG Guidelines, 2015. Collection method: clinical testing. Allele origin: germline.
Comment: This variant is classified as likely benign based on ACMG/AMP sequence variant interpretation guidelines (Richards et al. 2015 PMID: 25741868, with internal and published modifications).

Blueprint Genetics
Classification: Likely benign. Last evaluated: 2024-11-14. Review status: criteria provided, single submitter. Criteria: ACMG Guidelines, 2015. Collection method: clinical testing. Allele origin: germline.

NM_001371986.1(UNC80):c.5217G>A (p.Pro1739=)

Genes: UNC80 (unc-80 subunit of NALCN channel complex; plus strand), LOC126806490 (P300/CBP strongly-dependent group 1 enhancer GRCh37_chr2:210782411-210783610; plus strand). Cytogenetic location: 2q34.
Variant type: single nucleotide variant.
Coding change: c.5217G>A on transcript NM_001371986.1 (MANE Select); coding-DNA position 5217, G replaced by A.
Protein change: p.Pro1739=; no amino-acid change (proline 1739 retained).
Molecular consequence: synonymous variant.
Genome position (GRCh38, 1-based): chr2:209,918,537, G>A. VCF-style: chr2-209918537-G-A. GRCh37 (hg19) VCF-style: chr2-210783261-G-A.
Other names: c.5019G>A, p.Pro1673= (NM_032504.2); c.5004G>A, p.Pro1668= (NM_182587.4); c.5019G>A (NM_032504.1).
Identifiers: ClinVar variation 1669634 (VCV001669634.10), dbSNP rs372094408, ClinGen allele CA2083269.
Genomic context (GRCh38, chr2:209,918,537, plus strand): 5'-GCCTCATTCTAGCTTATATTCCCTCTCACCTAATTTTTCTGATGTCAACTAACAGATTCC[G>A]CCTCCCAGTATCAATTTCACCCTTCCCTCGCCGGTGCTTGGAATGCCATCCGTCCCAATG-3'
Protein context (NP_001358915.1, residues 1729-1749): EEGAQQIFKI[Pro1739=]PPSINFTLPS